The following is an entry in ClinVar:

ClinVar aggregate classification (germline): Uncertain significance (1 of 4 stars; one submission).

Submission:

Labcorp Genetics (formerly Invitae), Labcorp
Classification: Uncertain significance. Last evaluated: 2022-09-20. Review status: criteria provided, single submitter. Criteria: Invitae Variant Classification Sherloc (09022015). Collection method: clinical testing. Allele origin: germline.
Comment: In summary, the available evidence is currently insufficient to determine the role of this variant in disease. Therefore, it has been classified as a Variant of Uncertain Significance. Algorithms developed to predict the effect of missense changes on protein structure and function output the following: SIFT: "Deleterious"; PolyPhen-2: "Benign"; Align-GVGD: "Class C55". The serine amino acid residue is found in multiple mammalian species, which suggests that this missense change does not adversely affect protein function. This variant has not been reported in the literature in individuals affected with CLCN6-related conditions. This variant is not present in population databases (gnomAD no frequency). This sequence change replaces threonine, which is neutral and polar, with serine, which is neutral and polar, at codon 537 of the CLCN6 protein (p.Thr537Ser).

NM_001286.5(CLCN6):c.1609A>T (p.Thr537Ser)

Gene: CLCN6 (chloride voltage-gated channel 6; plus strand). Cytogenetic location: 1p36.22.
Variant type: single nucleotide variant.
Coding change: c.1609A>T on transcript NM_001286.5 (MANE Select); coding-DNA position 1609, A replaced by T.
Protein change: p.Thr537Ser; replaces threonine 537 with serine.
Molecular consequence: missense variant. On other transcripts: non-coding transcript variant (1).
Genome position (GRCh38, 1-based): chr1:11,834,318, A>T. VCF-style: chr1-11834318-A-T. GRCh37 (hg19) VCF-style: chr1-11894375-A-T.
Other names: c.1543A>T, p.Thr515Ser (NM_001256959.2); short protein forms T515S, T537S.
Identifiers: ClinVar variation 1719897 (VCV001719897.5), dbSNP rs2523156522, ClinGen allele CA338435848.